The following is an entry in ClinVar:

ClinVar aggregate classification (germline): Conflicting classifications of pathogenicity. Review status: criteria provided, conflicting classifications (1 of 4 stars). 2 submissions from 2 submitters: Uncertain significance (1); Likely benign (1). Last evaluated 2026-07-01.

Conditions:
Familial hypobetalipoproteinemia 1. Also called: Hypobetalipoproteinemia, normotriglyceridemic; Acanthocytosis with hypobetalipoproteinemia; APOB-Related Familial Hypobetalipoproteinemia. Identifiers: MedGen C4551990, MONDO:0014252, OMIM 615558.
Hypercholesterolemia, autosomal dominant, type B (FHCL2). Also called: Familial Hypercholesterolemia Type B; APOLIPOPROTEIN B-100, FAMILIAL DEFECTIVE; APOLIPOPROTEIN B-100, FAMILIAL LIGAND-DEFECTIVE; HYPERCHOLESTEROLEMIA, FAMILIAL, DUE TO LIGAND-DEFECTIVE APOLIPOPROTEIN B; Hyperlipoproteinemia Type IIb; Familial hypercholesterolemia 2. Identifiers: MedGen C1704417, MONDO:0007751, OMIM 144010.
Cardiovascular phenotype. Identifiers: MedGen CN230736.

gnomAD v4.1: 2 of 1,571,910 alleles (0.00013%); highest among the groups gnomAD compares: East Asian, 0.0023%; no homozygotes.

Submissions (2):

Ambry Genetics
Classification: Uncertain significance for Cardiovascular phenotype. Last evaluated: 2026-07-01. Review status: criteria provided, single submitter. Criteria: Ambry Variant Classification Scheme 2023. Collection method: clinical testing. Allele origin: germline.
Comment: The p.R4121K variant (also known as c.12362G>A), located in coding exon 29 of the APOB gene, results from a G to A substitution at nucleotide position 12362. The arginine at codon 4121 is replaced by lysine, an amino acid with highly similar properties. This amino acid position is conserved. In addition, this alteration is predicted to be tolerated by in silico analysis. Based on the available evidence, the clinical significance of this variant remains unclear.

Labcorp Genetics (formerly Invitae), Labcorp
Classification: Likely benign for Familial hypobetalipoproteinemia 1; Hypercholesterolemia, autosomal dominant, type B. Last evaluated: 2025-09-17. Review status: criteria provided, single submitter. Criteria: Invitae Variant Classification Sherloc (09022015). Collection method: clinical testing. Allele origin: germline.

NM_000384.3(APOB):c.12362G>A (p.Arg4121Lys)

Gene: APOB (apolipoprotein B; minus strand). Cytogenetic location: 2p24.1.
Variant type: single nucleotide variant.
Coding change: c.12362G>A on transcript NM_000384.3 (MANE Select); coding-DNA position 12362, G replaced by A.
Protein change: p.Arg4121Lys; replaces arginine 4121 with lysine.
Molecular consequence: missense variant.
Genome position (GRCh38, 1-based): chr2:21,003,060, C>T on the plus strand (G>A on the coding strand, the complement: APOB is on the minus strand). VCF-style: chr2-21003060-C-T. GRCh37 (hg19) VCF-style: chr2-21225932-C-T.
Other names: c.12362G>A (NM_000384.2); short protein forms R4121K.
Identifiers: ClinVar variation 4794231 (VCV004794231.2).
Genomic context (GRCh38, chr2:21,003,060, plus strand): 5'-TAGGTCCCAGTGGTGCCACTGGCTGCTTTCTGGAACCTCACGTCGATATCATCAATTTGC[C>T]TAATGGCCCCTTGATAAACCCACTCAGCATTGTTCTGCAGATTTCTTCTCAGCTTTGAAG-3'
Protein context (NP_000375.3, residues 4111-4131): NAEWVYQGAI[Arg4121Lys]QIDDIDVRFQ